The following is an entry in ClinVar:

ClinVar aggregate classification (germline): Uncertain significance. Review status: criteria provided, multiple submitters, no conflicts (2 of 4 stars). 2 submissions from 2 submitters: Uncertain significance (2). Last evaluated 2023-08-10.

Conditions:
Inborn genetic diseases. Identifiers: MedGen C0950123, MeSH D030342.
Developmental and epileptic encephalopathy, 12 (DEE12). Identifiers: MedGen C3150988, MONDO:0013389, OMIM 613722.

Allele frequency attached by ClinVar (database versions not stated): TOPMed 0.00002.
gnomAD v4.1: 9 of 1,614,010 alleles (0.00056%); highest among the groups gnomAD compares: African/African-American, 0.004%; no homozygotes.

Submissions (2):

Labcorp Genetics (formerly Invitae), Labcorp
Classification: Uncertain significance for Developmental and epileptic encephalopathy, 12. Last evaluated: 2023-08-10. Review status: criteria provided, single submitter. Criteria: Invitae Variant Classification Sherloc (09022015). Collection method: clinical testing. Allele origin: germline.
Comment: This sequence change replaces arginine, which is basic and polar, with tryptophan, which is neutral and slightly polar, at codon 60 of the PNKP protein (p.Arg60Trp). This variant is not present in population databases (gnomAD no frequency). This variant has not been reported in the literature in individuals affected with PNKP-related conditions. ClinVar contains an entry for this variant (Variation ID: 570335). An algorithm developed to predict the effect of missense changes on protein structure and function (PolyPhen-2) suggests that this variant is likely to be disruptive. In summary, the available evidence is currently insufficient to determine the role of this variant in disease. Therefore, it has been classified as a Variant of Uncertain Significance.

Ambry Genetics
Classification: Uncertain significance for Inborn genetic diseases. Last evaluated: 2017-04-04. Review status: criteria provided, single submitter. Criteria: Ambry Variant Classification Scheme 2023. Collection method: clinical testing. Allele origin: germline.
Comment: The p.R60W variant (also known as c.178C>T), located in coding exon 2 of the PNKP gene, results from a C to T substitution at nucleotide position 178. The arginine at codon 60 is replaced by tryptophan, an amino acid with dissimilar properties. This amino acid position is well conserved in available vertebrate species. In addition, this alteration is predicted to be tolerated by in silico analysis. Since supporting evidence is limited at this time, the clinical significance of this alteration remains unclear.

NM_007254.4(PNKP):c.178C>T (p.Arg60Trp)

Gene: PNKP (polynucleotide kinase 3'-phosphatase; minus strand). Cytogenetic location: 19q13.33.
Variant type: single nucleotide variant.
Coding change: c.178C>T on transcript NM_007254.4 (MANE Select); coding-DNA position 178, C replaced by T.
Protein change: p.Arg60Trp; replaces arginine 60 with tryptophan.
Molecular consequence: missense variant.
Genome position (GRCh38, 1-based): chr19:49,866,419, G>A on the plus strand (C>T on the coding strand, the complement: PNKP is on the minus strand). VCF-style: chr19-49866419-G-A. GRCh37 (hg19) VCF-style: chr19-50369676-G-A.
Other names: short protein forms R60W.
Identifiers: ClinVar variation 570335 (VCV000570335.11), dbSNP rs761948305, ClinGen allele CA406893106.